The following is an entry in ClinVar:

NM_001254.4(CDC6):c.438T>C (p.Cys146=)

Gene: CDC6 (cell division cycle 6; plus strand). Cytogenetic location: 17q21.2.
Variant type: single nucleotide variant.
Coding change: c.438T>C on transcript NM_001254.4 (MANE Select); coding-DNA position 438, T replaced by C.
Protein change: p.Cys146=; no amino-acid change (cysteine 146 retained).
Molecular consequence: synonymous variant.
Genome position (GRCh38, 1-based): chr17:40,291,317, T>C. VCF-style: chr17-40291317-T-C. GRCh37 (hg19) VCF-style: chr17-38447569-T-C.
Identifiers: ClinVar variation 128636 (VCV000128636.20), dbSNP rs1130199, ClinGen allele CA152216.
Genomic context (GRCh38, chr17:40,291,317, plus strand): 5'-AAGTCAAGAGATCACAACAAATTCTGAGCAGAGATGTCCACTGAAGAAAGAATCTGCATG[T>C]GTGAGACTATTCAAGCAAGAAGGTTTGTTCTTACATGGCAACTGTTAGTGCAGCCATTGT-3'
Protein context (NP_001245.1, residues 136-156): QRCPLKKESA[Cys146=]VRLFKQEGTC

ClinVar aggregate classification (germline): Benign. Review status: criteria provided, multiple submitters, no conflicts (2 of 4 stars). 6 submissions from 6 submitters: Benign (5). 1 of the submissions does not count toward it. Last evaluated 2026-02-03.

Conditions:
Meier-Gorlin syndrome 5 (MGORS5). Identifiers: Orphanet 2554, MedGen C3151126, MONDO:0013432, OMIM 613805.

Allele frequency attached by ClinVar (database versions not stated): gnomAD exomes 0.02511 and 0.00936; ExAC 0.03086; gnomAD 0.09815 and 0.10516; TOPMed 0.11010; 1000 Genomes Project 0.11122; ESP Exome Variant Server 0.11133; 1000 Genomes Project 30x 0.11821.
gnomAD v4.1: 29,303 of 1,614,116 alleles (1.8%); highest among the groups gnomAD compares: African/African-American, 34%; 4,577 homozygotes.

Submissions (6):

Labcorp Genetics (formerly Invitae), Labcorp
Classification: Benign. Last evaluated: 2026-02-03. Review status: criteria provided, single submitter. Criteria: Invitae Variant Classification Sherloc (09022015). Collection method: clinical testing. Allele origin: germline.

GeneDx
Classification: Benign. Last evaluated: 2021-05-04. Review status: criteria provided, single submitter. Criteria: GeneDx Variant Classification Process June 2021. Collection method: clinical testing. Allele origin: germline. Affected: yes.

Illumina Laboratory Services, Illumina
Classification: Benign for Meier-Gorlin syndrome 5. Last evaluated: 2018-01-13. Review status: criteria provided, single submitter. Criteria: ICSL Variant Classification Criteria 13 December 2019. Collection method: clinical testing. Allele origin: germline.
Comment: This variant was observed in the ICSL laboratory as part of a predisposition screen in an ostensibly healthy population. It had not been previously curated by ICSL or reported in the Human Gene Mutation Database (HGMD: prior to June 1st, 2018), and was therefore a candidate for classification through an automated scoring system. Utilizing variant allele frequency, disease prevalence and penetrance estimates, and inheritance mode, an automated score was calculated to assess if this variant is too frequent to cause the disease. Based on the score and internal cut-off values, a variant classified as benign is not then subjected to further curation. The score for this variant resulted in a classification of benign for this disease.

Breakthrough Genomics
Classification: Benign. Review status: criteria provided, single submitter. Criteria: ACMG Guidelines, 2015. Collection method: not provided. Allele origin: germline. Inheritance: Autosomal recessive inheritance. Affected: yes.

PreventionGenetics, part of Exact Sciences
Classification: Benign. Review status: criteria provided, single submitter. Criteria: ACMG Guidelines, 2015. Collection method: clinical testing. Allele origin: germline.

Genetic Services Laboratory, University of Chicago
Classification: Likely benign for AllHighlyPenetrant. Review status: no assertion criteria provided. Collection method: clinical testing. Allele origin: germline. Inheritance: Autosomal recessive inheritance. Not counted in ClinVar's aggregate classification.
Comment: Likely benign based on allele frequency in 1000 Genomes Project or ESP global frequency and its presence in a patient with a rare or unrelated disease phenotype. NOT Sanger confirmed.